The following is an entry in ClinVar:

ClinVar aggregate classification (germline): Pathogenic (1 of 4 stars; one submission).

Conditions:
Tuberous sclerosis 1 (TSC1). Identifiers: Orphanet 805, MedGen C1854465, MONDO:0008612, OMIM 191100.

Submission:

Labcorp Genetics (formerly Invitae), Labcorp
Classification: Pathogenic for Tuberous sclerosis 1. Last evaluated: 2022-02-27. Review status: criteria provided, single submitter. Criteria: Invitae Variant Classification Sherloc (09022015). Collection method: clinical testing. Allele origin: germline.
Comment: For these reasons, this variant has been classified as Pathogenic. This variant has not been reported in the literature in individuals affected with TSC1-related conditions. This variant is not present in population databases (gnomAD no frequency). This sequence change creates a premature translational stop signal (p.Leu203Cysfs*7) in the TSC1 gene. It is expected to result in an absent or disrupted protein product. Loss-of-function variants in TSC1 are known to be pathogenic (PMID: 10227394, 17304050).

Literature cited by the submitters: PubMed 10227394; PubMed 17304050.

NM_000368.5(TSC1):c.608del (p.Leu203fs)

Gene: TSC1 (TSC complex subunit 1; minus strand). Cytogenetic location: 9q34.13.
Variant type: Deletion.
Coding change: c.608del on transcript NM_000368.5 (MANE Select); coding-DNA position 608, one base deleted (T; older notation c.608delT).
Protein change: p.Leu203fs; shifts the reading frame from leucine 203.
Molecular consequence: frameshift variant.
Genome position (GRCh38, 1-based): chr9:132,921,874, A deleted on the plus strand (T on the coding strand, the reverse complement: TSC1 is on the minus strand); the first of 5 consecutive A bases (chr9:132,921,874-132,921,878); deleting any one gives the same sequence. VCF-style (leftmost placement, unchanged base first): chr9-132921873-CA-C. GRCh37 (hg19) VCF-style: chr9-135797260-CA-C.
Other names: c.608del, p.Leu203fs (NM_001162426.2); c.455del, p.Leu152fs (NM_001162427.2); c.245del, p.Leu82fs (NM_001362177.2); c.604delT, p.Leu203Cysfs (NM_001406592.1, NM_001406593.1, NM_001406594.1 and 15 more transcripts); c.451delT, p.Leu152Cysfs (NM_001406610.1, NM_001406611.1, NM_001406612.1 and 1 more transcripts); c.241delT, p.Leu82Cysfs (NM_001406614.1, NM_001406615.1, NM_001406616.1 and 9 more transcripts); c.-274delT (NM_001406626.1, NM_001406627.1, NM_001406628.1); c.-416delT (NM_001406629.1); and 1 more; short protein forms L203fs, L152fs, L82fs.
Identifiers: ClinVar variation 2103924 (VCV002103924.4), dbSNP rs118203413, ClinGen allele CA467593789.